The following is an entry in ClinVar:

NM_005732.4(RAD50):c.652G>A (p.Glu218Lys)

Gene: RAD50 (RAD50 double strand break repair protein; plus strand). Cytogenetic location: 5q31.1.
Variant type: single nucleotide variant.
Coding change: c.652G>A on transcript NM_005732.4 (MANE Select); coding-DNA position 652, G replaced by A.
Protein change: p.Glu218Lys; replaces glutamic acid 218 with lysine.
Molecular consequence: missense variant.
Genome position (GRCh38, 1-based): chr5:132,579,962, G>A. VCF-style: chr5-132579962-G-A. GRCh37 (hg19) VCF-style: chr5-131915654-G-A.
Other names: short protein forms E218K.
Identifiers: ClinVar variation 1754071 (VCV001754071.6), dbSNP rs984403593, ClinGen allele CA127237850.
Genomic context (GRCh38, chr5:132,579,962, plus strand): 5'-ACACAAGGTCAGAAAGTAAAAGAATATCAAATGGAACTAAAATATCTGAAGCAATATAAG[G>A]AAAAAGCTTGTGAGATTCGTGATCAGATTACAAGTAAGGAAGCCCAGTTAACATCTTCAA-3'
Protein context (NP_005723.2, residues 208-228): MELKYLKQYK[Glu218Lys]KACEIRDQIT

ClinVar aggregate classification (germline): Uncertain significance. Review status: criteria provided, multiple submitters, no conflicts (2 of 4 stars). 2 submissions from 2 submitters: Uncertain significance (2). Last evaluated 2024-06-21.

Conditions:
Hereditary cancer-predisposing syndrome. Also called: Neoplastic Syndromes, Hereditary; Tumor predisposition; Hereditary Cancer Syndrome; Hereditary neoplastic syndrome. Identifiers: Orphanet 140162, MedGen C0027672, MeSH D009386, MONDO:0015356.

Allele frequency attached by ClinVar (database versions not stated): gnomAD exomes below 0.00001; TOPMed 0.00002.
gnomAD v4.1: 2 of 1,612,222 alleles (0.00012%); highest among the groups gnomAD compares: African/African-American, 0.0027%; no homozygotes.

Submissions (2):

Ambry Genetics
Classification: Uncertain significance for Hereditary cancer-predisposing syndrome. Last evaluated: 2024-06-21. Review status: criteria provided, single submitter. Criteria: Ambry Variant Classification Scheme 2023. Collection method: clinical testing. Allele origin: germline.
Comment: The p.E218K variant (also known as c.652G>A), located in coding exon 5 of the RAD50 gene, results from a G to A substitution at nucleotide position 652. The glutamic acid at codon 218 is replaced by lysine, an amino acid with similar properties. This amino acid position is conserved. In addition, this alteration is predicted to be tolerated by in silico analysis. Since supporting evidence is limited at this time, the clinical significance of this alteration remains unclear.

Labcorp Genetics (formerly Invitae), Labcorp
Classification: Uncertain significance for Hereditary cancer-predisposing syndrome. Last evaluated: 2023-10-07. Review status: criteria provided, single submitter. Criteria: Invitae Variant Classification Sherloc (09022015). Collection method: clinical testing. Allele origin: germline.
Comment: This sequence change replaces glutamic acid, which is acidic and polar, with lysine, which is basic and polar, at codon 218 of the RAD50 protein (p.Glu218Lys). This variant is present in population databases (no rsID available, gnomAD 0.007%). This variant has not been reported in the literature in individuals affected with RAD50-related conditions. ClinVar contains an entry for this variant (Variation ID: 1754071). Advanced modeling of protein sequence and biophysical properties (such as structural, functional, and spatial information, amino acid conservation, physicochemical variation, residue mobility, and thermodynamic stability) performed at Invitae indicates that this missense variant is not expected to disrupt RAD50 protein function. In summary, the available evidence is currently insufficient to determine the role of this variant in disease. Therefore, it has been classified as a Variant of Uncertain Significance.